The following is an entry in ClinVar:

ClinVar aggregate classification (germline): Uncertain significance (1 of 4 stars; one submission).

Submission:

Quest Diagnostics Nichols Institute San Juan Capistrano
Classification: Uncertain significance. Last evaluated: 2024-12-02. Review status: criteria provided, single submitter. Criteria: Quest Diagnostics criteria. Collection method: clinical testing. Allele origin: unknown.
Comment: The PMS2 c.2580T>C (p.Ser860=) synonymous variant has not been reported in individuals with PMS2-related conditions in the published literature. It also has not been reported in large, multi-ethnic general populations (Genome Aggregation Database). Analysis of this variant using software algorithms for the prediction of the effect of nucleotide changes on splicing yielded predictions that this variant does not affect PMS2 mRNA splicing. Based on the available information, we are unable to determine the clinical significance of this variant.

NM_000535.7(PMS2):c.2580T>C (p.Ser860=)

Gene: PMS2 (PMS1 homolog 2, mismatch repair system component; minus strand). Cytogenetic location: 7p22.1.
Variant type: single nucleotide variant.
Coding change: c.2580T>C on transcript NM_000535.7 (MANE Select); coding-DNA position 2580, T replaced by C.
Protein change: p.Ser860=; no amino-acid change (serine 860 retained).
Molecular consequence: synonymous variant. On other transcripts: non-coding transcript variant (1).
Genome position (GRCh38, 1-based): chr7:5,973,408, A>G on the plus strand (T>C on the coding strand, the complement: PMS2 is on the minus strand). VCF-style: chr7-5973408-A-G. GRCh37 (hg19) VCF-style: chr7-6013039-A-G.
Other names: c.2256T>C, p.Ser752= (NM_001406884.1); c.2244T>C, p.Ser748= (NM_001406885.1); c.2214T>C, p.Ser738= (NM_001406886.1); c.2208T>C, p.Ser736= (NM_001406887.1, NM_001406888.1, NM_001322009.2); c.2175T>C, p.Ser725= (NM_001406889.1, NM_001406890.1, NM_001406891.1 and 11 more transcripts); c.2115T>C, p.Ser705= (NM_001406900.1); c.2106T>C, p.Ser702= (NM_001406901.1, NM_001406902.1); c.2094T>C, p.Ser698= (NM_001406903.1); and 20 more.
Identifiers: ClinVar variation 3572137 (VCV003572137.2).